The following is an entry in ClinVar:

ClinVar aggregate classification (germline): Uncertain significance (1 of 4 stars; one submission).

Allele frequency attached by ClinVar (database versions not stated): gnomAD exomes below 0.00001; ExAC 0.00001.
gnomAD v4.1: 1 of 1,613,226 alleles (0.000062%); highest among the groups gnomAD compares: South Asian, 0.0011%; no homozygotes.

Submission:

Labcorp Genetics (formerly Invitae), Labcorp
Classification: Uncertain significance. Last evaluated: 2023-10-30. Review status: criteria provided, single submitter. Criteria: Invitae Variant Classification Sherloc (09022015). Collection method: clinical testing. Allele origin: germline.
Comment: This sequence change replaces glutamic acid, which is acidic and polar, with lysine, which is basic and polar, at codon 1299 of the POLE protein (p.Glu1299Lys). This variant is present in population databases (rs753514393, gnomAD 0.003%). This variant has not been reported in the literature in individuals affected with POLE-related conditions. Algorithms developed to predict the effect of missense changes on protein structure and function output the following: SIFT: "Not Available"; PolyPhen-2: "Benign"; Align-GVGD: "Not Available". The lysine amino acid residue is found in multiple mammalian species, which suggests that this missense change does not adversely affect protein function. In summary, the available evidence is currently insufficient to determine the role of this variant in disease. Therefore, it has been classified as a Variant of Uncertain Significance.

NM_006231.4(POLE):c.3895G>A (p.Glu1299Lys)

Gene: POLE (DNA polymerase epsilon, catalytic subunit; minus strand). Cytogenetic location: 12q24.33.
Variant type: single nucleotide variant.
Coding change: c.3895G>A on transcript NM_006231.4 (MANE Select); coding-DNA position 3895, G replaced by A.
Protein change: p.Glu1299Lys; replaces glutamic acid 1299 with lysine.
Molecular consequence: missense variant.
Genome position (GRCh38, 1-based): chr12:132,649,416, C>T on the plus strand (G>A on the coding strand, the complement: POLE is on the minus strand). VCF-style: chr12-132649416-C-T. GRCh37 (hg19) VCF-style: chr12-133226002-C-T.
Other names: short protein forms E1299K.
Identifiers: ClinVar variation 2777446 (VCV002777446.3), dbSNP rs753514393, ClinGen allele CA6893058.
Genomic context (GRCh38, chr12:132,649,416, plus strand): 5'-AGAAGCTCCCCAGCCCCGTGGCAGGACCATCCCGGATGGCCCCGGGCCTGAGCACACCCT[C>T]TGCCGACTCCAGACGCTGCCTCTTCCTGCGGGCGAGGCGCTGCCGGGCCTGCAGCTGCCA-3'
Protein context (NP_006222.2, residues 1289-1309): RRKRQRLESA[Glu1299Lys]GVLRPGAIRD